The following is an entry in ClinVar:

NM_000384.3(APOB):c.5507T>G (p.Ile1836Arg)

Gene: APOB (apolipoprotein B; minus strand). Cytogenetic location: 2p24.1.
Variant type: single nucleotide variant.
Coding change: c.5507T>G on transcript NM_000384.3 (MANE Select); coding-DNA position 5507, T replaced by G.
Protein change: p.Ile1836Arg; replaces isoleucine 1836 with arginine.
Molecular consequence: missense variant.
Genome position (GRCh38, 1-based): chr2:21,011,361, A>C on the plus strand (T>G on the coding strand, the complement: APOB is on the minus strand). VCF-style: chr2-21011361-A-C. GRCh37 (hg19) VCF-style: chr2-21234233-A-C.
Other names: short protein forms I1836R.
Identifiers: ClinVar variation 630409 (VCV000630409.6), dbSNP rs772402035, ClinGen allele CA43506631.

ClinVar aggregate classification (germline): Uncertain significance (1 of 4 stars; one submission).

Conditions:
Cardiovascular phenotype. Identifiers: MedGen CN230736.

Allele frequency attached by ClinVar (database versions not stated): TOPMed below 0.00001; gnomAD 0.00001; gnomAD exomes 0.00001.
gnomAD v4.1: 14 of 1,613,936 alleles (0.00087%); highest among the groups gnomAD compares: Non-Finnish European, 0.0012%; no homozygotes.

Submission:

Ambry Genetics
Classification: Uncertain significance for Cardiovascular phenotype. Last evaluated: 2022-12-01. Review status: criteria provided, single submitter. Criteria: Ambry Variant Classification Scheme 2023. Collection method: clinical testing. Allele origin: germline.
Comment: The p.I1836R variant (also known as c.5507T>G), located in coding exon 26 of the APOB gene, results from a T to G substitution at nucleotide position 5507. The isoleucine at codon 1836 is replaced by arginine, an amino acid with similar properties. This amino acid position is conserved. In addition, this alteration is predicted to be tolerated by in silico analysis. Since supporting evidence is limited at this time, the clinical significance of this alteration remains unclear.